The following is an entry in ClinVar:

ClinVar aggregate classification (germline): Uncertain significance (1 of 4 stars; one submission).

Conditions:
Fanconi anemia complementation group J. Also called: BRIP1-Related Fanconi Anemia. Identifiers: Orphanet 84, MedGen C1836860, MONDO:0012187, OMIM 609054.
Familial cancer of breast. Also called: Hereditary breast cancer; hereditary breast carcinoma; BREAST CANCER, FAMILIAL. Identifiers: Orphanet 227535, MedGen C0346153, MONDO:0016419, OMIM 114480. Disease mechanism: loss of function.

Submission:

Labcorp Genetics (formerly Invitae), Labcorp
Classification: Uncertain significance for Familial cancer of breast; Fanconi anemia complementation group J. Last evaluated: 2025-07-16. Review status: criteria provided, single submitter. Criteria: Invitae Variant Classification Sherloc (09022015). Collection method: clinical testing. Allele origin: germline.
Comment: This sequence change replaces aspartic acid, which is acidic and polar, with asparagine, which is neutral and polar, at codon 94 of the BRIP1 protein (p.Asp94Asn). This variant is not present in population databases (gnomAD no frequency). This variant has not been reported in the literature in individuals affected with BRIP1-related conditions. Invitae Evidence Modeling of protein sequence and biophysical properties (such as structural, functional, and spatial information, amino acid conservation, physicochemical variation, residue mobility, and thermodynamic stability) indicates that this missense variant is not expected to disrupt BRIP1 protein function with a negative predictive value of 95%. In summary, the available evidence is currently insufficient to determine the role of this variant in disease. Therefore, it has been classified as a Variant of Uncertain Significance.

NM_032043.3(BRIP1):c.280G>A (p.Asp94Asn)

Gene: BRIP1 (BRCA1 interacting DNA helicase 1; minus strand). Cytogenetic location: 17q23.2.
Variant type: single nucleotide variant.
Coding change: c.280G>A on transcript NM_032043.3 (MANE Select); coding-DNA position 280, G replaced by A.
Protein change: p.Asp94Asn; replaces aspartic acid 94 with asparagine.
Molecular consequence: missense variant.
Genome position (GRCh38, 1-based): chr17:61,857,157, C>T on the plus strand (G>A on the coding strand, the complement: BRIP1 is on the minus strand). VCF-style: chr17-61857157-C-T. GRCh37 (hg19) VCF-style: chr17-59934518-C-T.
Other names: short protein forms D94N.
Identifiers: ClinVar variation 4783550 (VCV004783550.1).
Genomic context (GRCh38, chr17:61,857,157, plus strand): 5'-GTGTGCTTGGATAGTTGAAATGACGTGAAGTTCCTTGGTTCATGTCATTGTTTGTAAAAT[C>T]CTTTGAATGGCATGCACAACAACATGACAATTGTACTTCAGCTTTTTCACTTACGCCCTC-3'
Protein context (NP_114432.2, residues 84-104): LSCCCACHSK[Asp94Asn]FTNNDMNQGT